The following is an entry in ClinVar:

NM_020693.4(DSCAML1):c.5182C>G (p.Pro1728Ala)

Gene: DSCAML1 (DS cell adhesion molecule like 1; minus strand). Cytogenetic location: 11q23.3.
Variant type: single nucleotide variant.
Coding change: c.5182C>G on transcript NM_020693.4 (MANE Select); coding-DNA position 5182, C replaced by G.
Protein change: p.Pro1728Ala; replaces proline 1728 with alanine.
Molecular consequence: missense variant.
Genome position (GRCh38, 1-based): chr11:117,431,726, G>C on the plus strand (C>G on the coding strand, the complement: DSCAML1 is on the minus strand). VCF-style: chr11-117431726-G-C. GRCh37 (hg19) VCF-style: chr11-117302442-G-C.
Other names: short protein forms P1728A.
Identifiers: ClinVar variation 4715820 (VCV004715820.1).

ClinVar aggregate classification (germline): Uncertain significance (1 of 4 stars; one submission).

Submission:

Labcorp Genetics (formerly Invitae), Labcorp
Classification: Uncertain significance. Last evaluated: 2025-03-24. Review status: criteria provided, single submitter. Criteria: Invitae Variant Classification Sherloc (09022015). Collection method: clinical testing. Allele origin: germline.
Comment: This sequence change replaces proline, which is neutral and non-polar, with alanine, which is neutral and non-polar, at codon 1788 of the DSCAML1 protein (p.Pro1788Ala). This variant is not present in population databases (gnomAD no frequency). This variant has not been reported in the literature in individuals affected with DSCAML1-related conditions. An algorithm developed to predict the effect of missense changes on protein structure and function (PolyPhen-2) suggests that this variant is likely to be disruptive. In summary, the available evidence is currently insufficient to determine the role of this variant in disease. Therefore, it has been classified as a Variant of Uncertain Significance.